The following is an entry in ClinVar:

ClinVar aggregate classification (germline): Benign. Review status: reviewed by expert panel (3 of 4 stars). 17 submissions from 16 submitters: Benign (1). 16 of the submissions do not count toward it. Last evaluated 2015-08-10.

Conditions:
Hereditary breast ovarian cancer syndrome. Also called: Hereditary breast and ovarian cancer syndrome; Hereditary breast and ovarian cancer; Hereditary breast and ovarian cancer syndrome (HBOC); Breast and ovarian cancer; Hereditary breast and/or ovarian cancer syndrome; BRCA1- and BRCA2-Associated Hereditary Breast and Ovarian Cancer. Identifiers: Orphanet 145, MedGen C0677776, MeSH D061325, MONDO:0003582. Disease mechanism: loss of function.
BRCA2-related disorder. Also called: BRCA2-related condition; BRCA2-related disorders. Identifiers: MedGen CN239275.
Fanconi anemia complementation group D1. Also called: BRCA2-Related Fanconi Anemia. Identifiers: Orphanet 319462, MedGen C1838457, MONDO:0011584, OMIM 605724.
Hereditary cancer-predisposing syndrome. Also called: Neoplastic Syndromes, Hereditary; Tumor predisposition; Hereditary neoplastic syndrome; Hereditary Cancer Syndrome. Identifiers: Orphanet 140162, MedGen C0027672, MeSH D009386, MONDO:0015356.
Breast-ovarian cancer, familial, susceptibility to, 2 (BROVCA2). Also called: BRCA2 Hereditary Breast and Ovarian Cancer. Identifiers: Orphanet 145, MedGen C2675520, MONDO:0012933, OMIM 612555. Disease mechanism: loss of function.

Allele frequency attached by ClinVar (database versions not stated): gnomAD exomes 0.00002 and 0.00004; TOPMed 0.00003; ExAC 0.00004; gnomAD 0.00004.
gnomAD v4.1: 50 of 1,613,736 alleles (0.0031%); highest among the groups gnomAD compares: Middle Eastern, 0.017%; no homozygotes.

Submissions (17):

Evidence-based Network for the Interpretation of Germline Mutant Alleles (ENIGMA)
Classification: Benign for Breast-ovarian cancer, familial 2. Last evaluated: 2015-08-10. Review status: reviewed by expert panel. Criteria: ENIGMA BRCA1/2 Classification Criteria (2015). Collection method: curation. Allele origin: germline.
Comment: IARC class based on posterior probability from multifactorial likelihood analysis, thresholds for class as per Plon et al. 2008 (PMID: 18951446). Class 1 based on posterior probability = 0.00000575

Labcorp Genetics (formerly Invitae), Labcorp
Classification: Benign for Hereditary breast ovarian cancer syndrome. Last evaluated: 2026-02-03. Review status: criteria provided, single submitter. Criteria: Invitae Variant Classification Sherloc (09022015). Collection method: clinical testing. Allele origin: germline. Not counted in ClinVar's aggregate classification.

Quest Diagnostics Nichols Institute San Juan Capistrano
Classification: Likely benign. Last evaluated: 2025-06-11. Review status: criteria provided, single submitter. Criteria: Quest Diagnostics criteria. Collection method: clinical testing. Allele origin: unknown. Not counted in ClinVar's aggregate classification.

Women's Health and Genetics/Laboratory Corporation of America, LabCorp
Classification: Benign. Last evaluated: 2025-02-27. Review status: criteria provided, single submitter. Criteria: LabCorp Variant Classification Summary - May 2015. Collection method: clinical testing. Allele origin: germline. Not counted in ClinVar's aggregate classification.
Comment: Variant summary: BRCA2 c.5752C>T (p.His1918Tyr) results in a conservative amino acid change in the encoded protein sequence. Five of five in-silico tools predict a benign effect of the variant on protein function. The variant allele was found at a frequency of 3.2e-05 in 1613992 control chromosomes, predominantly at a frequency of 0.0011 within the Ashkenazi Jewish subpopulation in the gnomAD database. The observed variant frequency within Ashkenazi Jewish control individuals in the gnomAD database is approximately 1.5 fold of the estimated maximal expected allele frequency for a pathogenic variant in BRCA2 causing Hereditary Breast And Ovarian Cancer Syndrome phenotype (0.00075). c.5752C>T has been reported in the literature with varying classifications ranging from VUS/neutral/likely benign/benign among individuals with breast/prostate/ovarian cancer (example, Kote-Jarai_2011, Lu_2015, Ernst_2018, Lebo_2018). These report(s) do not provide unequivocal conclusions about association of the variant with Hereditary Breast And Ovarian Cancer Syndrome. Co-occurrences with other pathogenic variant(s) have been reported (BRCA2 c.5946delT, p.Ser1982fsX22), providing supporting evidence for a benign role. To our knowledge, no experimental evidence demonstrating an impact on protein function has been reported. The following publications have been ascertained in the context of this evaluation (PMID: 21990134, 17924331, 21952622, 24323938, 23704879, 26689913, 25203624, 29580235, 28726806). ClinVar contains an entry for this variant (Variation ID: 51927). Based on the evidence outlined above, the variant was classified as benign.

Sema4
Classification: Likely benign for Hereditary cancer-predisposing syndrome. Last evaluated: 2021-01-07. Review status: criteria provided, single submitter. Criteria: Sema4 Curation Guidelines. Collection method: curation. Allele origin: germline. Not counted in ClinVar's aggregate classification.

GeneDx
Classification: Likely benign. Last evaluated: 2019-04-16. Review status: criteria provided, single submitter. Criteria: GeneDx Variant Classification Process June 2021. Collection method: clinical testing. Allele origin: germline. Affected: yes. Not counted in ClinVar's aggregate classification.
Comment: Not observed at a significant frequency in large population cohorts (Lek et al., 2016).; This variant is associated with the following publications: (PMID: 23704879, 24323938, 17924331, 21990134, 28866612)

Laboratory for Molecular Medicine, Mass General Brigham Personalized Medicine
Classification: Uncertain significance. Last evaluated: 2018-05-15. Review status: criteria provided, single submitter. Criteria: LMM Criteria. Collection method: clinical testing. Allele origin: germline. Observed: 1 variant allele. Not counted in ClinVar's aggregate classification.
Comment: proposed classification - variant undergoing re-assessment, contact laboratory

Illumina Laboratory Services, Illumina
Classification: Uncertain significance for Breast-ovarian cancer, familial, susceptibility to, 2. Last evaluated: 2018-01-12. Review status: criteria provided, single submitter. Criteria: ICSL Variant Classification Criteria 13 December 2019. Collection method: clinical testing. Allele origin: germline. Not counted in ClinVar's aggregate classification.

Illumina Laboratory Services, Illumina
Classification: Uncertain significance for Fanconi anemia complementation group D1. Last evaluated: 2018-01-12. Review status: criteria provided, single submitter. Criteria: ICSL Variant Classification Criteria 13 December 2019. Collection method: clinical testing. Allele origin: germline. Not counted in ClinVar's aggregate classification.

Genetic Services Laboratory, University of Chicago
Classification: Likely benign. Last evaluated: 2016-04-20. Review status: criteria provided, single submitter. Criteria: ACMG Guidelines, 2015. Collection method: clinical testing. Allele origin: germline. Affected: no. Not counted in ClinVar's aggregate classification.

Color Diagnostics, LLC DBA Color Health
Classification: Benign for Hereditary cancer-predisposing syndrome. Last evaluated: 2015-12-08. Review status: criteria provided, single submitter. Criteria: ACMG Guidelines, 2015. Collection method: clinical testing. Allele origin: germline. Not counted in ClinVar's aggregate classification.

Ambry Genetics
Classification: Benign for Hereditary cancer-predisposing syndrome. Last evaluated: 2014-11-19. Review status: criteria provided, single submitter. Criteria: Ambry Variant Classification Scheme 2023. Collection method: clinical testing. Allele origin: germline. Not counted in ClinVar's aggregate classification.

PreventionGenetics, part of Exact Sciences
Classification: Likely benign for BRCA2-related condition. Last evaluated: 2024-01-30. Review status: no assertion criteria provided. Collection method: clinical testing. Allele origin: germline. Not counted in ClinVar's aggregate classification.
Comment: This variant is classified as likely benign based on ACMG/AMP sequence variant interpretation guidelines (Richards et al. 2015 PMID: 25741868, with internal and published modifications).

Counsyl
Classification: Likely benign for Breast-ovarian cancer, familial 2. Last evaluated: 2014-04-17. Review status: no assertion criteria provided. Collection method: literature only. Allele origin: unknown. Inheritance: Autosomal dominant inheritance. Not counted in ClinVar's aggregate classification.

Sharing Clinical Reports Project (SCRP)
Classification: Likely benign for Breast-ovarian cancer, familial 2. Last evaluated: 2011-02-24. Review status: no assertion criteria provided. Collection method: clinical testing. Allele origin: germline. Not counted in ClinVar's aggregate classification.

Breast Cancer Information Core (BIC) (BRCA2)
Classification: Uncertain significance for Breast-ovarian cancer, familial 2. Last evaluated: 2002-05-29. Review status: no assertion criteria provided. Collection method: clinical testing. Allele origin: germline. Affected: yes. Observed: 9 variant alleles. Not counted in ClinVar's aggregate classification.

Department of Pathology and Laboratory Medicine, Sinai Health System
Classification: Benign. Review status: no assertion criteria provided. Collection method: clinical testing. Allele origin: unknown. Affected: yes. Study: The Canadian Open Genetics Repository (COGR). Not counted in ClinVar's aggregate classification.
Comment: The BRCA2 p.His1918Tyr variant was identified dbSNP (ID: rs80358803) â€šÃ„ÃºWith likely benign alleleâ€šÃ„Ã¹, Clinvitae database (as â€šÃ„Ãºlikely benignâ€šÃ„Ã¹), LOVD (as â€šÃ„Ãºpredicted neutralâ€šÃ„Ã¹), ARUP Laboratories BRCA Mutations Database (as â€šÃ„Ãºnot pathogenicâ€šÃ„Ã¹), the ClinVar database (classified as a benign variant reviewed by an expert panel), GeneInsight COGR database (classified 2X as â€šÃ„Ãºlikely benignâ€šÃ„Ã¹ 1X as â€šÃ„Ãºbenignâ€šÃ„Ã¹ and 1X â€šÃ„Ãºunclassifiedâ€šÃ„Ã¹ ), the BIC database (9X with unknown clinical importance), and UMD (1X as an unknown variant). The variant was also identified by the Exome Aggregation Consortium (ExAC) database in 5 of 66606 (European (Non-Finnish)) alleles (frequency: 7.51X10-05), although this low number of observations and low frequency is not substantive enough to determine the prevalence of the variant in the general population and its relationship to disease. The variant was found in the literature, classified by several functional and in silico studies as benign (Easton 2007, Lindor 2012, Guidugli 2014).The p.His1918 residue is not conserved in mammals and computational analyses (PolyPhen-2, SIFT, AlignGVGD, BLOSUM, MutationTaster) do not suggest a high likelihood of impact to the protein. However, this information is not predictive enough to rule out pathogenicity. The variant occurs outside of the splicing consensus sequence and in silico or computational prediction software programs (SpliceSiteFinder, MaxEntScan, NNSPLICE, GeneSplicer, HumanSpliceFinder) do not predict a difference in splicing. In summary, based on the above information, this variant meets our laboratory's criteria to be classified as benign.

Literature cited by the submitters: PubMed 21990134 (cited by 4 submitters); PubMed 21952622 (cited by Quest Diagnostics Nichols Institute San Juan Capistrano and Women's Health and Genetics/Laboratory Corporation of America, LabCorp); PubMed 23704879 (cited by Quest Diagnostics Nichols Institute San Juan Capistrano and Women's Health and Genetics/Laboratory Corporation of America, LabCorp); PubMed 24323938 (cited by Quest Diagnostics Nichols Institute San Juan Capistrano and Women's Health and Genetics/Laboratory Corporation of America, LabCorp); PubMed 26689913 (cited by Quest Diagnostics Nichols Institute San Juan Capistrano and Women's Health and Genetics/Laboratory Corporation of America, LabCorp); PubMed 33471991 (cited by Quest Diagnostics Nichols Institute San Juan Capistrano); PubMed 17924331 (cited by 4 submitters); PubMed 31911673 (cited by Quest Diagnostics Nichols Institute San Juan Capistrano); PubMed 25203624 (cited by Women's Health and Genetics/Laboratory Corporation of America, LabCorp); PubMed 29580235 (cited by Women's Health and Genetics/Laboratory Corporation of America, LabCorp); PubMed 28726806 (cited by Women's Health and Genetics/Laboratory Corporation of America, LabCorp).

NM_000059.4(BRCA2):c.5752C>T (p.His1918Tyr)

Gene: BRCA2 (BRCA2 DNA repair associated; plus strand). Cytogenetic location: 13q13.1.
Variant type: single nucleotide variant.
Coding change: c.5752C>T on transcript NM_000059.4 (MANE Select); coding-DNA position 5752, C replaced by T.
Protein change: p.His1918Tyr; replaces histidine 1918 with tyrosine.
Molecular consequence: missense variant.
Genome position (GRCh38, 1-based): chr13:32,340,107, C>T. VCF-style: chr13-32340107-C-T. GRCh37 (hg19) VCF-style: chr13-32914244-C-T.
Other names: p.H1918Y:CAT>TAT; 5980C>T; short protein forms H1918Y.
Identifiers: ClinVar variation 51927 (VCV000051927.44), dbSNP rs80358803, ClinGen allele CA023153.